The following is an entry in ClinVar:

ClinVar aggregate classification (germline): Uncertain significance (1 of 4 stars; one submission).

Allele frequency attached by ClinVar (database versions not stated): gnomAD exomes 0.00002.
gnomAD v4.1: 24 of 1,614,062 alleles (0.0015%); highest among the groups gnomAD compares: Non-Finnish European, 0.002%; no homozygotes.

Submission:

Labcorp Genetics (formerly Invitae), Labcorp
Classification: Uncertain significance. Last evaluated: 2022-03-20. Review status: criteria provided, single submitter. Criteria: Invitae Variant Classification Sherloc (09022015). Collection method: clinical testing. Allele origin: germline.
Comment: This sequence change affects codon 73 of the EXOSC9 mRNA. It is a 'silent' change, meaning that it does not change the encoded amino acid sequence of the EXOSC9 protein. This variant is not present in population databases (gnomAD no frequency). This variant has not been reported in the literature in individuals affected with EXOSC9-related conditions. Algorithms developed to predict the effect of sequence changes on RNA splicing suggest that this variant may disrupt the consensus splice site. In summary, the available evidence is currently insufficient to determine the role of this variant in disease. Therefore, it has been classified as a Variant of Uncertain Significance.

NM_005033.3(EXOSC9):c.219A>G (p.Glu73=)

Gene: EXOSC9 (exosome component 9; plus strand). Cytogenetic location: 4q27.
Variant type: single nucleotide variant.
Coding change: c.219A>G on transcript NM_005033.3 (MANE Select); coding-DNA position 219, A replaced by G.
Protein change: p.Glu73=; no amino-acid change (glutamic acid 73 retained).
Molecular consequence: synonymous variant.
Genome position (GRCh38, 1-based): chr4:121,802,731, A>G. VCF-style: chr4-121802731-A-G. GRCh37 (hg19) VCF-style: chr4-122723886-A-G.
Other names: c.219A>G, p.Glu73= (NM_001034194.2).
Identifiers: ClinVar variation 2074508 (VCV002074508.4), dbSNP rs2476760737, ClinGen allele CA440910921.
Genomic context (GRCh38, chr4:121,802,731, plus strand): 5'-CAGAGTTCTTGGACAGGTTTCCTGTGAACTTGTGTCTCCAAAACTCAATCGGGCAACAGA[A>G]GGTATTCTTTTTTTTAACCTTGAACTCTCTCAGATGGCCGCTCCAGCTTTCGAACCTGGC-3'
Protein context (NP_005024.2, residues 63-83): LVSPKLNRAT[Glu73=]GILFFNLELS